The following is an entry in ClinVar:

ClinVar aggregate classification (germline): Likely benign (0 of 4 stars; one submission).

Conditions:
KLHL40-related disorder. Also called: KLHL40-related condition.

Allele frequency attached by ClinVar (database versions not stated): ExAC 0.00002; gnomAD exomes 0.00002; TOPMed 0.00002; gnomAD 0.00003.
gnomAD v4.1: 35 of 1,613,806 alleles (0.0022%); highest among the groups gnomAD compares: Admixed American, 0.005%; no homozygotes.

Submission:

PreventionGenetics, part of Exact Sciences
Classification: Likely benign for KLHL40-related condition. Last evaluated: 2022-05-04. Review status: no assertion criteria provided. Collection method: clinical testing. Allele origin: germline.
Comment: This variant is classified as likely benign based on ACMG/AMP sequence variant interpretation guidelines (Richards et al. 2015 PMID: 25741868, with internal and published modifications).

NM_152393.4(KLHL40):c.1272C>T (p.Asp424=)

Gene: KLHL40 (kelch like family member 40; plus strand). Cytogenetic location: 3p22.1.
Variant type: single nucleotide variant.
Coding change: c.1272C>T on transcript NM_152393.4 (MANE Select); coding-DNA position 1272, C replaced by T.
Protein change: p.Asp424=; no amino-acid change (aspartic acid 424 retained).
Molecular consequence: synonymous variant.
Genome position (GRCh38, 1-based): chr3:42,688,261, C>T. VCF-style: chr3-42688261-C-T. GRCh37 (hg19) VCF-style: chr3-42729753-C-T.
Identifiers: ClinVar variation 3048568 (VCV003048568.2), dbSNP rs745319914, ClinGen allele CA2336874.